The following is an entry in ClinVar:

ClinVar aggregate classification (germline): Likely pathogenic (1 of 4 stars; one submission).

Conditions:
Ichthyosis linearis circumflexa. Identifiers: MedGen C0265962, MONDO:0043106, HP:0025810.

Allele frequency attached by ClinVar (database versions not stated): gnomAD exomes below 0.00001; gnomAD 0.00001.
gnomAD v4.1: 3 of 1,613,688 alleles (0.00019%); highest among the groups gnomAD compares: Admixed American, 0.0017%; no homozygotes.

Submission:

Labcorp Genetics (formerly Invitae), Labcorp
Classification: Likely pathogenic for Ichthyosis linearis circumflexa. Last evaluated: 2021-11-22. Review status: criteria provided, single submitter. Criteria: Invitae Variant Classification Sherloc (09022015). Collection method: clinical testing. Allele origin: germline.
Comment: In summary, the currently available evidence indicates that the variant is pathogenic, but additional data are needed to prove that conclusively. Therefore, this variant has been classified as Likely Pathogenic. Algorithms developed to predict the effect of sequence changes on RNA splicing suggest that this variant may disrupt the consensus splice site. This variant has not been reported in the literature in individuals affected with SPINK5-related conditions. This variant is not present in population databases (gnomAD no frequency). This sequence change affects a donor splice site in intron 27 of the SPINK5 gene. It is expected to disrupt RNA splicing. Variants that disrupt the donor or acceptor splice site typically lead to a loss of protein function (PMID: 16199547), and loss-of-function variants in SPINK5 are known to be pathogenic (PMID: 11511292, 11841556).

Literature cited by the submitters: PubMed 16199547; PubMed 11511292; PubMed 11841556.

NM_006846.4(SPINK5):c.2666+1G>A

Gene: SPINK5 (serine peptidase inhibitor Kazal type 5; plus strand). Cytogenetic location: 5q32.
Variant type: single nucleotide variant.
Coding change: c.2666+1G>A on transcript NM_006846.4 (MANE Select); the canonical splice donor site of the intron after coding-DNA position 2666, G replaced by A.
Molecular consequence: splice donor variant.
Genome position (GRCh38, 1-based): chr5:148,123,961, G>A. VCF-style: chr5-148123961-G-A. GRCh37 (hg19) VCF-style: chr5-147503524-G-A.
Other names: c.2666+1G>A (NM_001127698.2, NM_001127699.2).
Identifiers: ClinVar variation 1499040 (VCV001499040.6), dbSNP rs1754362343, ClinGen allele CA361648149.